The following is an entry in ClinVar:

ClinVar aggregate classification (germline): Conflicting classifications of pathogenicity. Review status: criteria provided, conflicting classifications (1 of 4 stars). 3 submissions from 3 submitters: Uncertain significance (1); Likely benign (2). Last evaluated 2025-07-16.

Conditions:
PRRT2-Related Disorder. Also called: PRRT2-related disorders. Identifiers: MedGen CN381059.

Submissions (3):

Women's Health and Genetics/Laboratory Corporation of America, LabCorp
Classification: Likely benign. Last evaluated: 2025-07-16. Review status: criteria provided, single submitter. Criteria: LabCorp Variant Classification Summary - May 2015. Collection method: clinical testing. Allele origin: germline.
Comment: Variant summary: PRRT2 c.1013-29dupC is located at a position not widely known to affect splicing. Consensus agreement among computation tools predict no significant impact on normal splicing. However, these predictions have yet to be confirmed by functional studies. The variant allele was found at a frequency of 0.00015 in 247692 control chromosomes (gnomAD v2). This frequency is not significantly higher than estimated for a pathogenic variant in PRRT2 causing Episodic Kinesigenic Dyskinesia 1, allowing no conclusion about variant significance. In gnomAD v4, gnomAD v4, this variant was reported at a frenquency of 0.0002577 in a total of 1602800 alleles (413 heterozygotes). To our knowledge, no occurrence of c.1013-29dupC in individuals affected with Episodic Kinesigenic Dyskinesia 1 and no experimental evidence demonstrating its impact on protein function have been reported. ClinVar contains an entry for this variant (Variation ID: 2634097). Based on the evidence outlined above, the variant was classified as likely benign.

Blueprint Genetics
Classification: Likely benign. Last evaluated: 2024-09-12. Review status: criteria provided, single submitter. Criteria: ACMG Guidelines, 2015. Collection method: clinical testing. Allele origin: germline.

PreventionGenetics, part of Exact Sciences
Classification: Uncertain significance for PRRT2-related condition. Last evaluated: 2023-04-24. Review status: criteria provided, single submitter. Criteria: ACMG Guidelines, 2015. Collection method: clinical testing. Allele origin: germline.
Comment: The PRRT2 c.1146dupC variant is predicted to result in a frameshift and premature protein termination (p.Val383Argfs*12). This variant corresponds to an intronic position in the primary transcript for this gene (NM_145239.3:c.1013-29dup). To our knowledge, this variant has not been reported in the literature. This variant is reported in 0.029% of alleles in individuals of European (Non-Finnish) descent in gnomAD. At this time, the clinical significance of this variant is uncertain due to the absence of conclusive functional and genetic evidence.

NM_145239.3(PRRT2):c.1013-29dup

Genes: MVP-DT (MVP divergent transcript; minus strand), PRRT2 (proline rich transmembrane protein 2; plus strand). Cytogenetic location: 16p11.2.
Variant type: Duplication.
Coding change: c.1013-29dup on transcript NM_145239.3 (MANE Select); 29 bases into the intron before coding-DNA position 1013, one base duplicated (C; older notation c.1013-29dupC).
Molecular consequence: intron variant. On other transcripts: frameshift variant (1), 3 prime UTR variant (1).
Genome position (GRCh38, 1-based): chr16:29,814,599, C duplicated; the last of 6 consecutive C bases (chr16:29,814,594-29,814,599); duplicating any one gives the same sequence. VCF-style (leftmost placement, unchanged base first): chr16-29814593-T-TC. GRCh37 (hg19) VCF-style: chr16-29825914-T-TC.
Other names: c.1146dup, p.Val383fs (NM_001256442.2); c.*645dup (NM_001256443.2); c.1013-29dupC (NM_145239.3); short protein forms V383fs.
Identifiers: ClinVar variation 2634097 (VCV002634097.3), dbSNP rs754459153, ClinGen allele CA7994663.